The following is an entry in ClinVar:

ClinVar aggregate classification (germline): Uncertain significance (1 of 4 stars; one submission).

Allele frequency attached by ClinVar (database versions not stated): gnomAD 0.00001; TOPMed 0.00001.
gnomAD v4.1: 1 of 1,613,564 alleles (0.000062%); highest among the groups gnomAD compares: African/African-American, 0.0013%; no homozygotes.

Submission:

Labcorp Genetics (formerly Invitae), Labcorp
Classification: Uncertain significance. Last evaluated: 2022-05-06. Review status: criteria provided, single submitter. Criteria: Invitae Variant Classification Sherloc (09022015). Collection method: clinical testing. Allele origin: germline.
Comment: This sequence change replaces arginine, which is basic and polar, with methionine, which is neutral and non-polar, at codon 35 of the PRCD protein (p.Arg35Met). This variant is not present in population databases (gnomAD no frequency). This variant has not been reported in the literature in individuals affected with PRCD-related conditions. Algorithms developed to predict the effect of missense changes on protein structure and function output the following: SIFT: "Tolerated"; PolyPhen-2: "Benign"; Align-GVGD: "Class C0". The methionine amino acid residue is found in multiple mammalian species, which suggests that this missense change does not adversely affect protein function. In summary, the available evidence is currently insufficient to determine the role of this variant in disease. Therefore, it has been classified as a Variant of Uncertain Significance.

NM_001077620.3(PRCD):c.104G>T (p.Arg35Met)

Genes: CYGB (cytoglobin; minus strand), PRCD (photoreceptor disc component; plus strand). Cytogenetic location: 17q25.1.
Variant type: single nucleotide variant.
Coding change: c.104G>T on transcript NM_001077620.3 (MANE Select); coding-DNA position 104, G replaced by T.
Protein change: p.Arg35Met; replaces arginine 35 with methionine.
Molecular consequence: missense variant. On other transcripts: non-coding transcript variant (1).
Genome position (GRCh38, 1-based): chr17:76,540,534, G>T. VCF-style: chr17-76540534-G-T. GRCh37 (hg19) VCF-style: chr17-74536616-G-T.
Other names: short protein forms R35M.
Identifiers: ClinVar variation 2122212 (VCV002122212.1), dbSNP rs764158636, ClinGen allele CA401182405.